The following is an entry in ClinVar:

ClinVar aggregate classification (germline): Uncertain significance. Review status: criteria provided, multiple submitters, no conflicts (2 of 4 stars). 2 submissions from 2 submitters: Uncertain significance (2). Last evaluated 2022-07-26.

Conditions:
Lethal multiple pterygium syndrome (LMPS). Identifiers: Orphanet 33108, MedGen C1854678, MONDO:0009668, OMIM 253290.

Allele frequency attached by ClinVar (database versions not stated): gnomAD 0.00001.
gnomAD v4.1: 2 of 1,614,074 alleles (0.00012%); highest among the groups gnomAD compares: African/African-American, 0.0027%; no homozygotes.

Submissions (2):

Labcorp Genetics (formerly Invitae), Labcorp
Classification: Uncertain significance for Lethal multiple pterygium syndrome. Last evaluated: 2022-07-26. Review status: criteria provided, single submitter. Criteria: Invitae Variant Classification Sherloc (09022015). Collection method: clinical testing. Allele origin: germline.
Comment: In summary, the available evidence is currently insufficient to determine the role of this variant in disease. Therefore, it has been classified as a Variant of Uncertain Significance. Advanced modeling of protein sequence and biophysical properties (such as structural, functional, and spatial information, amino acid conservation, physicochemical variation, residue mobility, and thermodynamic stability) performed at Invitae indicates that this missense variant is expected to disrupt CHRNA1 protein function. ClinVar contains an entry for this variant (Variation ID: 664996). This variant has not been reported in the literature in individuals affected with CHRNA1-related conditions. This variant is not present in population databases (gnomAD no frequency). This sequence change replaces proline, which is neutral and non-polar, with serine, which is neutral and polar, at codon 140 of the CHRNA1 protein (p.Pro140Ser).

Revvity Omics, Revvity
Classification: Uncertain significance. Last evaluated: 2019-02-20. Review status: criteria provided, single submitter. Criteria: ACMG Guidelines, 2015. Collection method: clinical testing. Allele origin: germline.

NM_000079.4(CHRNA1):c.418C>T (p.Pro140Ser)

Gene: CHRNA1 (cholinergic receptor nicotinic alpha 1 subunit; minus strand). Cytogenetic location: 2q31.1.
Variant type: single nucleotide variant.
Coding change: c.418C>T on transcript NM_000079.4 (MANE Select); coding-DNA position 418, C replaced by T.
Protein change: p.Pro140Ser; replaces proline 140 with serine.
Molecular consequence: missense variant.
Genome position (GRCh38, 1-based): chr2:174,754,341, G>A on the plus strand (C>T on the coding strand, the complement: CHRNA1 is on the minus strand). VCF-style: chr2-174754341-G-A. GRCh37 (hg19) VCF-style: chr2-175619069-G-A.
Other names: c.493C>T, p.Pro165Ser (NM_001039523.3); short protein forms P165S, P140S.
Identifiers: ClinVar variation 664996 (VCV000664996.11), dbSNP rs1235810008, ClinGen allele CA349341431.